The following is an entry in ClinVar:

ClinVar aggregate classification (germline): Uncertain significance (1 of 4 stars; one submission).

Conditions:
Hereditary spastic paraplegia 57. Also called: Spastic paraplegia 57, autosomal recessive. Identifiers: Orphanet 431329, MedGen C3714897, MONDO:0014295, OMIM 615658.
Hereditary motor and sensory neuropathy, Okinawa type (HMSNO). Also called: HEREDITARY MOTOR AND SENSORY NEUROPATHY, PROXIMAL TYPE. Identifiers: Orphanet 90117, MedGen C1858338, MONDO:0011468, OMIM 604484.

Submission:

Labcorp Genetics (formerly Invitae), Labcorp
Classification: Uncertain significance for Hereditary motor and sensory neuropathy, Okinawa type; Hereditary spastic paraplegia 57. Last evaluated: 2025-07-23. Review status: criteria provided, single submitter. Criteria: Invitae Variant Classification Sherloc (09022015). Collection method: clinical testing. Allele origin: germline.
Comment: This sequence change creates a premature translational stop signal (p.Glu146Aspfs*25) in the TFG gene. It is expected to result in an absent or disrupted protein product. However, the current clinical and genetic evidence is not sufficient to establish whether loss-of-function variants in TFG cause disease. This variant is not present in population databases (gnomAD no frequency). This variant has not been reported in the literature in individuals affected with TFG-related conditions. In summary, the available evidence is currently insufficient to determine the role of this variant in disease. Therefore, it has been classified as a Variant of Uncertain Significance.

NM_006070.6(TFG):c.438_441del (p.Glu146fs)

Gene: TFG (trafficking from ER to golgi regulator; plus strand). Cytogenetic location: 3q12.2.
Variant type: Deletion.
Coding change: c.438_441del on transcript NM_006070.6 (MANE Select); coding-DNA positions 438 to 441, 4 bases deleted (AAAG; older notation c.438_441delAAAG).
Protein change: p.Glu146fs; shifts the reading frame from glutamic acid 146.
Molecular consequence: frameshift variant.
Genome position (GRCh38, 1-based): chr3:100,732,530-100,732,533, AAAG deleted. VCF-style (leftmost placement, unchanged base first): chr3-100732529-AAAAG-A. GRCh37 (hg19) VCF-style: chr3-100451373-AAAAG-A.
Other names: c.438_441del, p.Glu146fs (NM_001007565.2, NM_001195478.2, NM_001195479.2); short protein forms E146fs.
Identifiers: ClinVar variation 4785659 (VCV004785659.1).